The following is an entry in ClinVar:

ClinVar aggregate classification (germline): Conflicting classifications of pathogenicity. Review status: criteria provided, conflicting classifications (1 of 4 stars). 4 submissions from 4 submitters: Uncertain significance (2); Likely benign (1). 1 of the submissions does not count toward it. Last evaluated 2021-05-11.

Conditions:
POGZ-related disorder. Also called: POGZ-related condition.
Inborn genetic diseases. Identifiers: MedGen C0950123, MeSH D030342.

Allele frequency attached by ClinVar (database versions not stated): ESP Exome Variant Server 0.00008; gnomAD 0.00009 and 0.00011; gnomAD exomes 0.00014 and 0.00021; TOPMed 0.00014; ExAC 0.00016; 1000 Genomes Project 0.00060; 1000 Genomes Project 30x 0.00062.
gnomAD v4.1: 311 of 1,610,230 alleles (0.019%); highest among the groups gnomAD compares: Non-Finnish European, 0.024%; 1 homozygote.

Submissions (4):

GeneDx
Classification: Likely benign. Last evaluated: 2021-05-11. Review status: criteria provided, single submitter. Criteria: GeneDx Variant Classification Process June 2021. Collection method: clinical testing. Allele origin: germline. Affected: yes.

CeGaT Center for Human Genetics Tuebingen
Classification: Uncertain significance. Last evaluated: 2019-12-01. Review status: criteria provided, single submitter. Criteria: CeGaT Center For Human Genetics Tuebingen Variant Classification Criteria Version 2. Collection method: clinical testing. Allele origin: germline. Affected: yes. Observed: 2 variant alleles.

Ambry Genetics
Classification: Uncertain significance for Inborn genetic diseases. Last evaluated: 2018-08-26. Review status: criteria provided, single submitter. Criteria: Ambry Variant Classification Scheme 2023. Collection method: clinical testing. Allele origin: germline.
Comment: The p.N136S variant (also known as c.407A>G), located in coding exon 3 of the POGZ gene, results from an A to G substitution at nucleotide position 407. The asparagine at codon 136 is replaced by serine, an amino acid with highly similar properties. This amino acid position is highly conserved in available vertebrate species. In addition, this alteration is predicted to be tolerated by in silico analysis. Since supporting evidence is limited at this time, the clinical significance of this alteration remains unclear.

PreventionGenetics, part of Exact Sciences
Classification: Likely benign for POGZ-related condition. Last evaluated: 2021-02-05. Review status: no assertion criteria provided. Collection method: clinical testing. Allele origin: germline. Not counted in ClinVar's aggregate classification.
Comment: This variant is classified as likely benign based on ACMG/AMP sequence variant interpretation guidelines (Richards et al. 2015 PMID: 25741868, with internal and published modifications).

NM_015100.4(POGZ):c.407A>G (p.Asn136Ser)

Gene: POGZ (pogo transposable element derived with ZNF domain; minus strand). Cytogenetic location: 1q21.3.
Variant type: single nucleotide variant.
Coding change: c.407A>G on transcript NM_015100.4 (MANE Select); coding-DNA position 407, A replaced by G.
Protein change: p.Asn136Ser; replaces asparagine 136 with serine.
Molecular consequence: missense variant. On other transcripts: intron variant (1).
Genome position (GRCh38, 1-based): chr1:151,430,718, T>C on the plus strand (A>G on the coding strand, the complement: POGZ is on the minus strand). VCF-style: chr1-151430718-T-C. GRCh37 (hg19) VCF-style: chr1-151403194-T-C.
Other names: c.407A>G, p.Asn136Ser (NM_001194937.2); c.248A>G, p.Asn83Ser (NM_001194938.2, NM_207171.2); c.284-2305A>G (NM_145796.4); short protein forms N136S, N83S.
Identifiers: ClinVar variation 870784 (VCV000870784.47), dbSNP rs141132016, ClinGen allele CA1091656.